The following is an entry in ClinVar:

NM_020297.4(ABCC9):c.2197A>G (p.Asn733Asp)

Gene: ABCC9 (ATP binding cassette subfamily C member 9; minus strand). Cytogenetic location: 12p12.1.
Variant type: single nucleotide variant.
Coding change: c.2197A>G on transcript NM_020297.4 (MANE Select); coding-DNA position 2197, A replaced by G.
Protein change: p.Asn733Asp; replaces asparagine 733 with aspartic acid.
Molecular consequence: missense variant.
Genome position (GRCh38, 1-based): chr12:21,872,626, T>C on the plus strand (A>G on the coding strand, the complement: ABCC9 is on the minus strand). VCF-style: chr12-21872626-T-C. GRCh37 (hg19) VCF-style: chr12-22025560-T-C.
Other names: p.N733D:AAT>GAT; c.2197A>G (NM_005691.2); c.2197A>G, p.Asn733Asp (NM_001377273.1, NM_005691.4); c.1333A>G, p.Asn445Asp (NM_001377274.1); short protein forms N733D, N445D.
Identifiers: ClinVar variation 201617 (VCV000201617.27), dbSNP rs369604693, ClinGen allele CA308190.

ClinVar aggregate classification (germline): Conflicting classifications of pathogenicity. Review status: criteria provided, conflicting classifications (1 of 4 stars). 5 submissions from 5 submitters: Uncertain significance (4); Likely benign (1). Last evaluated 2025-11-05.

Conditions:
Cardiovascular phenotype. Identifiers: MedGen CN230736.
Atrial fibrillation, familial, 12 (ATFB12). Identifiers: MedGen C3279695, MONDO:0013545, OMIM 614050.
Hypertrichotic osteochondrodysplasia Cantu type. Also called: Cantu Syndrome; Cantú Syndrome. Identifiers: Orphanet 1517, MedGen C0795905, MONDO:0009406, OMIM 239850.
Intellectual disability and myopathy syndrome (IDMYS). Identifiers: MedGen C5676904, MONDO:0859224, OMIM 619719.
Dilated cardiomyopathy 1O (CMD1O). Also called: CARDIOMYOPATHY, DILATED, WITH VENTRICULAR TACHYCARDIA. Identifiers: Orphanet 154, MedGen C1837839, MONDO:0012062, OMIM 608569.

Allele frequency attached by ClinVar (database versions not stated): gnomAD exomes 0.00001 and 0.00002; ExAC 0.00002; TOPMed 0.00002; gnomAD 0.00003; ESP Exome Variant Server 0.00008.
gnomAD v4.1: 35 of 1,610,866 alleles (0.0022%); highest among the groups gnomAD compares: Non-Finnish European, 0.003%; no homozygotes.

Submissions (5):

Labcorp Genetics (formerly Invitae), Labcorp
Classification: Uncertain significance for Dilated cardiomyopathy 1O. Last evaluated: 2025-11-05. Review status: criteria provided, single submitter. Criteria: Invitae Variant Classification Sherloc (09022015). Collection method: clinical testing. Allele origin: germline.
Comment: This sequence change replaces asparagine, which is neutral and polar, with aspartic acid, which is acidic and polar, at codon 733 of the ABCC9 protein (p.Asn733Asp). This variant is present in population databases (rs369604693, gnomAD 0.004%). This missense change has been observed in individual(s) with Brugada syndrome (PMID: 24439875). ClinVar contains an entry for this variant (Variation ID: 201617). An algorithm developed to predict the effect of missense changes on protein structure and function (PolyPhen-2) suggests that this variant is likely to be tolerated. In summary, the available evidence is currently insufficient to determine the role of this variant in disease. Therefore, it has been classified as a Variant of Uncertain Significance.

Ambry Genetics
Classification: Uncertain significance for Cardiovascular phenotype. Last evaluated: 2025-09-12. Review status: criteria provided, single submitter. Criteria: Ambry Variant Classification Scheme 2023. Collection method: clinical testing. Allele origin: germline.
Comment: The p.N733D variant (also known as c.2197A>G), located in coding exon 16 of the ABCC9 gene, results from an A to G substitution at nucleotide position 2197. The asparagine at codon 733 is replaced by aspartic acid, an amino acid with highly similar properties. This amino acid position is well conserved in available vertebrate species. In addition, this alteration is predicted to be tolerated by in silico analysis. Based on the available evidence, the clinical significance of this variant remains unclear.

Blueprint Genetics
Classification: Likely benign. Last evaluated: 2024-09-02. Review status: criteria provided, single submitter. Criteria: ACMG Guidelines, 2015. Collection method: clinical testing. Allele origin: germline.

Clinical Genomics Laboratory, Stanford Medicine
Classification: Uncertain significance for Hypertrichotic osteochondrodysplasia Cantu type; Atrial fibrillation, familial, 12; Intellectual disability and myopathy syndrome. Last evaluated: 2023-01-23. Review status: criteria provided, single submitter. Criteria: ACMG Guidelines, 2015. Collection method: clinical testing. Allele origin: germline. Observed: 1 variant allele, 1 heterozygote.
Comment: The p.Asn733Asp variant in the ABCC9 gene has been previously reported in an individual with Brugada syndrome and cardiovascular autonomic dysfunction (Hu et al., 2014). This variant has been identified in 3/113,686 European non-Finnish chromosomes (3/251,382 chromosomes overall) by the Genome Aggregation Database. This variant is present in ClinVar (VCV000201617.23). The ABCC9 gene has fewer missense variants in the general population than expected. A low rate of missense variation may suggest that this gene is intolerant to missense variation. The asparagine at position 733 is evolutionarily conserved. Computational tools predict that the p.Asn733Asp variant is deleterious; however, the accuracy of in silico algorithms is limited. These data were assessed using the ACMG/AMP variant interpretation guidelines. In summary, the significance of the p.Asn733Asp variant is uncertain. Additional information is needed to resolve the significance of this variant. [ACMG evidence codes used: PM2; PP2; PP3]

GeneDx
Classification: Uncertain significance. Last evaluated: 2022-04-20. Review status: criteria provided, single submitter. Criteria: GeneDx Variant Classification Process June 2021. Collection method: clinical testing. Allele origin: germline. Affected: yes.
Comment: Has been reported in an individual with Brugada syndrome, coronary artery disease, and a history of sudden cardiac death (Hu et al., 2014); Not observed at a significant frequency in large population cohorts (gnomAD); In silico analysis supports that this missense variant does not alter protein structure/function; This variant is associated with the following publications: (PMID: 30821013, 30662450, 24439875)

Literature cited by the submitters: PubMed 24439875 (cited by Labcorp Genetics (formerly Invitae), Labcorp and Clinical Genomics Laboratory, Stanford Medicine).